The following is an entry in ClinVar:

ClinVar aggregate classification (germline): Uncertain significance (1 of 4 stars; one submission).

Conditions:
Hereditary cancer-predisposing syndrome. Also called: Hereditary Cancer Syndrome; Neoplastic Syndromes, Hereditary; Tumor predisposition; Hereditary neoplastic syndrome. Identifiers: Orphanet 140162, MedGen C0027672, MeSH D009386, MONDO:0015356.

Submission:

Ambry Genetics
Classification: Uncertain significance for Hereditary cancer-predisposing syndrome. Last evaluated: 2025-01-28. Review status: criteria provided, single submitter. Criteria: Ambry Variant Classification Scheme 2023. Collection method: clinical testing. Allele origin: germline.
Comment: The p.A1654G variant (also known as c.4961C>G), located in coding exon 15 of the APC gene, results from a C to G substitution at nucleotide position 4961. The alanine at codon 1654 is replaced by glycine, an amino acid with similar properties. This amino acid position is well conserved in available vertebrate species. In addition, in silico predictors for this gene do not accurately predict pathogenicity. Missense alterations in APC are not a common cause of disease (Spier I et al. Genet Med. 2024 Feb;26(2):100992). Based on the available evidence, the clinical significance of this variant remains unclear.

NM_000038.6(APC):c.4961C>G (p.Ala1654Gly)

Gene: APC (APC regulator of Wnt signaling pathway; plus strand). Cytogenetic location: 5q22.2.
Variant type: single nucleotide variant.
Coding change: c.4961C>G on transcript NM_000038.6 (MANE Select); coding-DNA position 4961, C replaced by G.
Protein change: p.Ala1654Gly; replaces alanine 1654 with glycine.
Molecular consequence: missense variant.
Genome position (GRCh38, 1-based): chr5:112,840,555, C>G. VCF-style: chr5-112840555-C-G. GRCh37 (hg19) VCF-style: chr5-112176252-C-G.
Other names: c.4940C>G, p.Ala1647Gly (NM_001407451.1); c.4931C>G, p.Ala1644Gly (NM_001407452.1); c.4712C>G, p.Ala1571Gly (NM_001407456.1, NM_001407454.1, NM_001407455.1 and 1 more transcripts); c.4784C>G, p.Ala1595Gly (NM_001407453.1, NM_001354901.2); c.4961C>G, p.Ala1654Gly (NM_001127510.3, NM_001354895.2, NM_001407450.1); c.4907C>G, p.Ala1636Gly (NM_001127511.3); c.5015C>G, p.Ala1672Gly (NM_001354896.2, NM_001407447.1, NM_001407448.1 and 1 more transcripts); c.4991C>G, p.Ala1664Gly (NM_001354897.2); and 11 more; short protein forms A1270G, A1563G, A1571G, A1626G, A1636G, A1664G, A1494G, A1525G.
Identifiers: ClinVar variation 1744419 (VCV001744419.3), dbSNP rs2149928573, ClinGen allele CA16032195.
Genomic context (GRCh38, chr5:112,840,555, plus strand): 5'-CGGGGGATGATATGCCACGGGTGTATTGTGTTGAAGGGACACCTATAAACTTTTCCACAG[C>G]TACATCTCTAAGTGATCTAACAATCGAATCCCCTCCAAATGAGTTAGCTGCTGGAGAAGG-3'
Protein context (NP_000029.2, residues 1644-1664): VEGTPINFST[Ala1654Gly]TSLSDLTIES